The following is an entry in ClinVar:

NM_000138.5(FBN1):c.4820_4821insC (p.Ile1607_Asp1608insTer)

Gene: FBN1 (fibrillin 1; minus strand). Cytogenetic location: 15q21.1.
Variant type: Insertion.
Coding change: c.4820_4821insC on transcript NM_000138.5 (MANE Select); coding-DNA positions 4820 to 4821, C inserted.
Protein change: p.Ile1607_Asp1608insTer.
Molecular consequence: frameshift variant.
Genome position: GRCh38 VCF-style: chr15-48465689-A-AG. GRCh37 (hg19) VCF-style: chr15-48757886-A-AG.
Other names: c.4820_4821insC, p.Ile1607_Asp1608insTer (NM_001406716.1).
Identifiers: ClinVar variation 4880612 (VCV004880612.2).

ClinVar aggregate classification (germline): Likely pathogenic (1 of 4 stars; one submission).

Conditions:
Marfan syndrome (MFS). Also called: FBN1-Related Marfan Syndrome; MARFAN SYNDROME, TYPE I; Marfan syndrome type 1; Marfan's syndrome; Marfan syndrome, classic. Identifiers: Orphanet 284963, Orphanet 558, MedGen C0024796, MONDO:0007947, OMIM 154700.

Submission:

Dasa
Classification: Likely pathogenic for Marfan syndrome. Last evaluated: 2026-01-14. Review status: criteria provided, single submitter. Criteria: DASA Assertion Criteria. Collection method: clinical testing. Allele origin: germline.
Comment: NM_000138.5(FBN1):c.4820_4821insC (p.Asp1608*) is a frameshift variant in FBN1 predicted to alter the reading frame and introduce a premature termination codon and is predicted to result in an absent or altered protein product. Loss of function is an established disease mechanism for FBN1 (PMID: 17701892; PMID: 30286810; PMID: 21063442). Also, this variant is rare in population databases. Based on the currently available evidence, this variant is classified as likely pathogenic.

Literature cited by the submitters: PubMed 17701892; PubMed 30286810; PubMed 21063442.